The following is an entry in ClinVar:

NM_080680.3(COL11A2):c.74G>A (p.Gly25Asp)

Gene: COL11A2 (collagen type XI alpha 2 chain; minus strand). Cytogenetic location: 6p21.32.
Variant type: single nucleotide variant.
Coding change: c.74G>A on transcript NM_080680.3 (MANE Select); coding-DNA position 74, G replaced by A.
Protein change: p.Gly25Asp; replaces glycine 25 with aspartic acid.
Molecular consequence: missense variant.
Genome position (GRCh38, 1-based): chr6:33,192,167, C>T on the plus strand (G>A on the coding strand, the complement: COL11A2 is on the minus strand). VCF-style: chr6-33192167-C-T. GRCh37 (hg19) VCF-style: chr6-33159944-C-T.
Other names: c.74G>A, p.Gly25Asp (NM_001163771.2, NM_080679.3, NM_080681.3); short protein forms G25D.
Identifiers: ClinVar variation 1065097 (VCV001065097.3), dbSNP rs1482152365, ClinGen allele CA363614865.

ClinVar aggregate classification (germline): Uncertain significance (1 of 4 stars; one submission).

Conditions:
Hearing impairment. Also called: Impaired Hearing. Identifiers: MedGen C1384666, MONDO:0005365, HP:0000365.

Allele frequency attached by ClinVar (database versions not stated): gnomAD exomes 0.00001.
gnomAD v4.1: 3 of 1,558,574 alleles (0.00019%); highest among the groups gnomAD compares: Non-Finnish European, 0.00026%; no homozygotes.

Submission:

Department of Otolaryngology – Head & Neck Surgery, Cochlear Implant Center
Classification: Uncertain significance for Hearing impairment. Last evaluated: 2021-04-12. Review status: criteria provided, single submitter. Criteria: ClinGen HL ACMG Specifications v1. Collection method: clinical testing. Allele origin: germline. Affected: yes.
Comment: BP5_Supporting